The following is an entry in ClinVar:

ClinVar aggregate classification (germline): Uncertain significance. Review status: criteria provided, multiple submitters, no conflicts (2 of 4 stars). 2 submissions from 2 submitters: Uncertain significance (2). Last evaluated 2025-05-21.

Conditions:
Inborn genetic diseases. Identifiers: MedGen C0950123, MeSH D030342.

gnomAD v4.1: 24 of 1,610,848 alleles (0.0015%); highest among the groups gnomAD compares: Admixed American, 0.04%; no homozygotes.

Submissions (2):

Ambry Genetics
Classification: Uncertain significance for Inborn genetic diseases. Last evaluated: 2025-05-21. Review status: criteria provided, single submitter. Criteria: Ambry Variant Classification Scheme 2023. Collection method: clinical testing. Allele origin: germline.

Labcorp Genetics (formerly Invitae), Labcorp
Classification: Uncertain significance. Last evaluated: 2022-09-27. Review status: criteria provided, single submitter. Criteria: Invitae Variant Classification Sherloc (09022015). Collection method: clinical testing. Allele origin: germline.
Comment: This sequence change replaces glutamic acid, which is acidic and polar, with aspartic acid, which is acidic and polar, at codon 205 of the HPS5 protein (p.Glu205Asp). This variant is present in population databases (rs772600215, gnomAD 0.06%). This variant has not been reported in the literature in individuals affected with HPS5-related conditions. ClinVar contains an entry for this variant (Variation ID: 1423624). Algorithms developed to predict the effect of missense changes on protein structure and function are either unavailable or do not agree on the potential impact of this missense change (SIFT: "Deleterious"; PolyPhen-2: "Probably Damaging"; Align-GVGD: "Class C0"). In summary, the available evidence is currently insufficient to determine the role of this variant in disease. Therefore, it has been classified as a Variant of Uncertain Significance.

NM_181507.2(HPS5):c.615A>T (p.Glu205Asp)

Gene: HPS5 (HPS5 biogenesis of lysosomal organelles complex 2 subunit 2; minus strand). Cytogenetic location: 11p15.1.
Variant type: single nucleotide variant.
Coding change: c.615A>T on transcript NM_181507.2 (MANE Select); coding-DNA position 615, A replaced by T.
Protein change: p.Glu205Asp; replaces glutamic acid 205 with aspartic acid.
Molecular consequence: missense variant.
Genome position (GRCh38, 1-based): chr11:18,306,344, T>A on the plus strand (A>T on the coding strand, the complement: HPS5 is on the minus strand). VCF-style: chr11-18306344-T-A. GRCh37 (hg19) VCF-style: chr11-18327891-T-A.
Other names: c.273A>T, p.Glu91Asp (NM_007216.4, NM_181508.2); short protein forms E91D, E205D.
Identifiers: ClinVar variation 1423624 (VCV001423624.6), dbSNP rs772600215, ClinGen allele CA5910375.
Genomic context (GRCh38, chr11:18,306,344, plus strand): 5'-AGGAAAGAAACAAGCTCCATATTCTCCATCTCTTTCCTTGTTTCCAATTTTCCAAAACTT[T>A]TCTCTAACATCCAGAAAGGAAGAGAAAGCAGATTTACTTACAAAAAAAAGTCAAAAACAA-3'
Protein context (NP_852608.1, residues 195-215): TRSFLCDTER[Glu205Asp]KFWKIGNKER